The following is an entry in ClinVar:

NM_001349338.3(FOXP1):c.510+6G>A

Gene: FOXP1 (forkhead box P1; minus strand). Cytogenetic location: 3p13.
Variant type: single nucleotide variant.
Coding change: c.510+6G>A on transcript NM_001349338.3 (MANE Select); 6 bases into the intron after coding-DNA position 510, G replaced by A.
Molecular consequence: intron variant.
Genome position (GRCh38, 1-based): chr3:71,052,531, C>T on the plus strand (G>A on the coding strand, the complement: FOXP1 is on the minus strand). VCF-style: chr3-71052531-C-T. GRCh37 (hg19) VCF-style: chr3-71101682-C-T.
Other names: c.510+6G>A (NM_001244810.2, NM_032682.6, NM_001349340.3 and 3 more transcripts); c.507+6G>A (NM_001349341.3); c.283-5436G>A (NM_001244812.3); c.207+6G>A (NM_001349343.3, NM_001349337.2, NM_001349344.3); c.210+6G>A (NM_001349342.3, NM_001370548.1, NM_001244815.2 and 1 more transcripts).
Identifiers: ClinVar variation 4693951 (VCV004693951.1).
Genomic context (GRCh38, chr3:71,052,531, plus strand): 5'-GTTTAATAGCCACTAGATAGTCCTCTGGGATCTGTGGTTTGAAAGTAAAATATGTATTGT[C>T]GGTACCTCTTTAGGCTGTTTTCCAGCATGTTGTTGTTGTAAAAGTTGAAGCTGCAACTGT-3'

ClinVar aggregate classification (germline): Uncertain significance (1 of 4 stars; one submission).

gnomAD v4.1: 27 of 1,113,824 alleles (0.0024%); highest among the groups gnomAD compares: Non-Finnish European, 0.0033%; no homozygotes.

Submission:

Labcorp Genetics (formerly Invitae), Labcorp
Classification: Uncertain significance. Last evaluated: 2025-11-12. Review status: criteria provided, single submitter. Criteria: Invitae Variant Classification Sherloc (09022015). Collection method: clinical testing. Allele origin: germline.
Comment: This sequence change falls in intron 9 of the FOXP1 gene. It does not directly change the encoded amino acid sequence of the FOXP1 protein. It affects a nucleotide within the consensus splice site. This variant is present in population databases (no rsID available, gnomAD 0.002%). This variant has not been reported in the literature in individuals affected with FOXP1-related conditions. Variants that disrupt the consensus splice site are a relatively common cause of aberrant splicing (PMID: 17576681, 9536098). Algorithms developed to predict the effect of sequence changes on RNA splicing suggest that this variant is not likely to affect RNA splicing. In summary, the available evidence is currently insufficient to determine the role of this variant in disease. Therefore, it has been classified as a Variant of Uncertain Significance.

Literature cited by the submitters: PubMed 17576681; PubMed 9536098.